The following is an entry in ClinVar:

ClinVar aggregate classification (germline): Uncertain significance (1 of 4 stars; one submission).

Conditions:
Spastic ataxia 3. Also called: Ataxia, spastic, 3, autosomal recessive; AUTOSOMAL RECESSIVE SPASTIC ATAXIA WITH LEUKOENCEPHALOPATHY. Identifiers: Orphanet 314603, MedGen C1969645, MONDO:0012664, OMIM 611390.

Submission:

Victorian Clinical Genetics Services, Murdoch Childrens Research Institute
Classification: Uncertain significance for Spastic ataxia 3. Last evaluated: 2019-08-28. Review status: criteria provided, single submitter. Criteria: ACMG Guidelines, 2015. Collection method: clinical testing. Allele origin: germline. Inheritance: Autosomal recessive inheritance. Affected: yes.
Comment: A heterozygous missense variant was identified, NM_138395.3(MARS2):c.590T>A in exon 1 of 1 of the MARS2 gene. This substitution is predicted to create a moderate amino acid change from leucine to histidine at position 197 of the protein, NP_612404.1(MARS2):p.(Leu197His). The leucine at this position has low conservation (100 vertebrates, UCSC), but is located within the tRNA-synt_1g functional domain (PDB). In silico software predictions of the pathogenicity of this variant are conflicting (PolyPhen, SIFT, CADD, MutationTaster). The variant is not present in the gnomAD population database. The variant has not previously been reported in clinical cases. Based on information available at the time of curation, this variant has been classified as a VARIANT of UNCERTAIN SIGNIFICANCE (VUS).

NM_138395.4(MARS2):c.590T>A (p.Leu197His)

Gene: MARS2 (methionyl-tRNA synthetase 2, mitochondrial; plus strand). Cytogenetic location: 2q33.1.
Variant type: single nucleotide variant.
Coding change: c.590T>A on transcript NM_138395.4 (MANE Select); coding-DNA position 590, T replaced by A.
Protein change: p.Leu197His; replaces leucine 197 with histidine.
Molecular consequence: missense variant.
Genome position (GRCh38, 1-based): chr2:197,705,995, T>A. VCF-style: chr2-197705995-T-A. GRCh37 (hg19) VCF-style: chr2-198570719-T-A.
Other names: short protein forms L197H.
Identifiers: ClinVar variation 1699106 (VCV001699106.3), dbSNP rs2106292827, ClinGen allele CA350212662.